The following is an entry in ClinVar:

ClinVar aggregate classification (germline): Conflicting classifications of pathogenicity. Review status: criteria provided, conflicting classifications (1 of 4 stars). 3 submissions from 3 submitters: Uncertain significance (1); Likely benign (2). Last evaluated 2025-12-08.

Conditions:
Capillary malformation-arteriovenous malformation syndrome. Also called: Capillary malformation-arteriovenous malformation. Identifiers: Orphanet 137667, MedGen C1842180, MONDO:0012016.
Cardiovascular phenotype. Identifiers: MedGen CN230736.

Allele frequency attached by ClinVar (database versions not stated): gnomAD 0.00003; ESP Exome Variant Server 0.00008; gnomAD exomes 0.00004; TOPMed 0.00005; ExAC 0.00005.
gnomAD v4.1: 67 of 1,613,446 alleles (0.0042%); highest among the groups gnomAD compares: South Asian, 0.011%; no homozygotes.

Submissions (3):

Labcorp Genetics (formerly Invitae), Labcorp
Classification: Uncertain significance for Capillary malformation-arteriovenous malformation syndrome. Last evaluated: 2025-12-08. Review status: criteria provided, single submitter. Criteria: Invitae Variant Classification Sherloc (09022015). Collection method: clinical testing. Allele origin: germline.
Comment: This sequence change replaces histidine, which is basic and polar, with arginine, which is basic and polar, at codon 883 of the RASA1 protein (p.His883Arg). This variant is present in population databases (rs372559312, gnomAD 0.01%). This variant has not been reported in the literature in individuals affected with RASA1-related conditions. ClinVar contains an entry for this variant (Variation ID: 1037212). An algorithm developed to predict the effect of missense changes on protein structure and function outputs the following: PolyPhen-2: "Benign". The arginine amino acid residue is found in multiple mammalian species, which suggests that this missense change does not adversely affect protein function. In summary, the available evidence is currently insufficient to determine the role of this variant in disease. Therefore, it has been classified as a Variant of Uncertain Significance.

Ambry Genetics
Classification: Likely benign for Cardiovascular phenotype. Last evaluated: 2022-05-26. Review status: criteria provided, single submitter. Criteria: Ambry Variant Classification Scheme 2023. Collection method: clinical testing. Allele origin: germline.

Blueprint Genetics
Classification: Likely benign. Last evaluated: 2018-10-31. Review status: criteria provided, single submitter. Criteria: ACMG Guidelines, 2015. Collection method: clinical testing. Allele origin: germline.

NM_002890.3(RASA1):c.2648A>G (p.His883Arg)

Genes: CCNH (cyclin H; minus strand), RASA1 (RAS p21 protein activator 1; plus strand). Cytogenetic location: 5q14.3.
Variant type: single nucleotide variant.
Coding change: c.2648A>G on transcript NM_002890.3 (MANE Select); coding-DNA position 2648, A replaced by G.
Protein change: p.His883Arg; replaces histidine 883 with arginine.
Molecular consequence: missense variant. On other transcripts: intron variant (1).
Genome position (GRCh38, 1-based): chr5:87,380,553, A>G. VCF-style: chr5-87380553-A-G. GRCh37 (hg19) VCF-style: chr5-86676370-A-G.
Other names: c.2117A>G, p.His706Arg (NM_022650.3); c.933+14491T>C (NM_001364075.2); short protein forms H883R, H706R.
Identifiers: ClinVar variation 1037212 (VCV001037212.10), dbSNP rs372559312, ClinGen allele CA3336053.